The following is an entry in ClinVar:

NM_004525.3(LRP2):c.3909G>C (p.Lys1303Asn)

Gene: LRP2 (LDL receptor related protein 2; minus strand). Cytogenetic location: 2q31.1.
Variant type: single nucleotide variant.
Coding change: c.3909G>C on transcript NM_004525.3 (MANE Select); coding-DNA position 3909, G replaced by C.
Protein change: p.Lys1303Asn; replaces lysine 1303 with asparagine.
Molecular consequence: missense variant.
Genome position (GRCh38, 1-based): chr2:169,241,124, C>G on the plus strand (G>C on the coding strand, the complement: LRP2 is on the minus strand). VCF-style: chr2-169241124-C-G. GRCh37 (hg19) VCF-style: chr2-170097634-C-G.
Other names: short protein forms K1303N.
Identifiers: ClinVar variation 1916921 (VCV001916921.3), dbSNP rs1320153401, ClinGen allele CA349147346.
Genomic context (GRCh38, chr2:169,241,124, plus strand): 5'-GTTATGGCCAAGACACTGCCATTGCCAACTAGGACAGCGAAAGGGCTGAGTAGGGCAGTC[C>G]TTCTCATCACTCATATCCCCGCAGTCATTGTCCCGATCACAGAGCCATGCCCTGTGGATG-3'
Protein context (NP_004516.2, residues 1293-1313): DNDCGDMSDE[Lys1303Asn]DCPTQPFRCP

ClinVar aggregate classification (germline): Uncertain significance (1 of 4 stars; one submission).

Allele frequency attached by ClinVar (database versions not stated): TOPMed below 0.00001.

Submission:

Labcorp Genetics (formerly Invitae), Labcorp
Classification: Uncertain significance. Last evaluated: 2022-06-18. Review status: criteria provided, single submitter. Criteria: Invitae Variant Classification Sherloc (09022015). Collection method: clinical testing. Allele origin: germline.
Comment: In summary, the available evidence is currently insufficient to determine the role of this variant in disease. Therefore, it has been classified as a Variant of Uncertain Significance. Advanced modeling of protein sequence and biophysical properties (such as structural, functional, and spatial information, amino acid conservation, physicochemical variation, residue mobility, and thermodynamic stability) performed at Invitae indicates that this missense variant is not expected to disrupt LRP2 protein function. This variant has not been reported in the literature in individuals affected with LRP2-related conditions. This variant is not present in population databases (gnomAD no frequency). This sequence change replaces lysine, which is basic and polar, with asparagine, which is neutral and polar, at codon 1303 of the LRP2 protein (p.Lys1303Asn).